The following is an entry in ClinVar:

ClinVar aggregate classification (germline): Pathogenic (1 of 4 stars; one submission).

Conditions:
Bifunctional peroxisomal enzyme deficiency (DBIF). Also called: DBP DEFICIENCY; PBFE DEFICIENCY; D-bifunctional protein deficiency. Identifiers: Orphanet 300, MedGen C0342870, MONDO:0009855, OMIM 261515. Disease mechanism: loss of function.

Submission:

Department of Human Genetics, Hannover Medical School
Classification: Pathogenic for Bifunctional peroxisomal enzyme deficiency. Last evaluated: 2026-01-30. Review status: criteria provided, single submitter. Criteria: ACMG Guidelines, 2015. Collection method: clinical testing. Allele origin: germline. Affected: yes.
Comment: ACMG/SVI: PVS1, PM3, PM2_Supporting

NM_000414.4(HSD17B4):c.1955G>A (p.Trp652Ter)

Gene: HSD17B4 (hydroxysteroid 17-beta dehydrogenase 4; plus strand). Cytogenetic location: 5q23.1.
Variant type: single nucleotide variant.
Coding change: c.1955G>A on transcript NM_000414.4 (MANE Select); coding-DNA position 1955, G replaced by A.
Protein change: p.Trp652Ter; replaces tryptophan 652 with a stop codon.
Molecular consequence: nonsense. On other transcripts: non-coding transcript variant (2).
Genome position (GRCh38, 1-based): chr5:119,531,366, G>A. VCF-style: chr5-119531366-G-A. GRCh37 (hg19) VCF-style: chr5-118867061-G-A.
Other names: c.2030G>A, p.Trp677Ter (NM_001199291.3); c.1901G>A, p.Trp634Ter (NM_001199292.2); c.1883G>A, p.Trp628Ter (NM_001292027.2, NM_001374498.1); c.1535G>A, p.Trp512Ter (NM_001292028.2); c.1946G>A, p.Trp649Ter (NM_001374497.1); c.1628G>A, p.Trp543Ter (NM_001374499.1); c.1514G>A, p.Trp505Ter (NM_001374500.1); c.1544G>A, p.Trp515Ter (NM_001374501.1, NM_001374502.1, NM_001374503.1); short protein forms W505*, W512*, W515*, W543*, W628*, W634*, W649*, W652*.
Identifiers: ClinVar variation 4688032 (VCV004688032.1).